The following is an entry in ClinVar:

NM_001257180.2(SLC20A2):c.1795-2A>G

Gene: SLC20A2 (solute carrier family 20 member 2; minus strand). Cytogenetic location: 8p11.21.
Variant type: single nucleotide variant.
Coding change: c.1795-2A>G on transcript NM_001257180.2 (MANE Select); the canonical splice acceptor site of the intron before coding-DNA position 1795, A replaced by G.
Molecular consequence: splice acceptor variant.
Genome position (GRCh38, 1-based): chr8:42,417,969, T>C on the plus strand (A>G on the coding strand, the complement: SLC20A2 is on the minus strand). VCF-style: chr8-42417969-T-C. GRCh37 (hg19) VCF-style: chr8-42275487-T-C.
Other names: c.1795-2A>G (NM_006749.5, NM_001257181.2).
Identifiers: ClinVar variation 4278542 (VCV004278542.2).
Genomic context (GRCh38, chr8:42,417,969, plus strand): 5'-AGGCGCCAGTCCACAGCCTTGCGGGAGCGGATCCAGCCCACGGCCACCACCGAGCCCACC[T>C]GTGGGAGCAGACATTGCAAAGTAAAAACAGGTGAGCCACAAAGGCTACACTCTACCAATG-3'

ClinVar aggregate classification (germline): Likely pathogenic (1 of 4 stars; one submission).

gnomAD v4.1: 3 of 1,608,400 alleles (0.00019%); highest among the groups gnomAD compares: Non-Finnish European, 0.00025%; no homozygotes.

Submission:

GeneDx
Classification: Likely pathogenic. Last evaluated: 2026-08-14. Review status: criteria provided, single submitter. Criteria: GeneDx Variant Classification Process June 2021. Collection method: clinical testing. Allele origin: germline.
Comment: Canonical splice site variant predicted to result in an in-frame loss of the adjacent exon in a gene for which loss of function is a known mechanism of disease; Not observed at significant frequency in large population cohorts (gnomAD); Has not been previously published as pathogenic or benign to our knowledge